The following is an entry in ClinVar:

ClinVar aggregate classification (germline): Pathogenic/Likely pathogenic. Review status: criteria provided, multiple submitters, no conflicts (2 of 4 stars). 3 submissions from 3 submitters: Pathogenic (1); Likely pathogenic (2). Last evaluated 2025-07-29.

Conditions:
CFI-related disorder. Also called: CFI-related disorders; CFI-related condition. Identifiers: MedGen CN239325.
Atypical hemolytic-uremic syndrome with I factor anomaly. Also called: HEMOLYTIC UREMIC SYNDROME, ATYPICAL, SUSCEPTIBILITY TO, 3; AHUS, SUSCEPTIBILITY TO, 3. Identifiers: Orphanet 2134, MedGen C2752039, MONDO:0013041, OMIM 612923.
Factor I deficiency (CFID). Also called: Complement factor I deficiency. Identifiers: Orphanet 200418, MedGen C3463916, MONDO:0012594, OMIM 610984.
Age related macular degeneration 13. Identifiers: MedGen C3809523, MONDO:0014189, OMIM 615439.

Allele frequency attached by ClinVar (database versions not stated): ExAC 0.00001; gnomAD 0.00001; TOPMed 0.00001; gnomAD exomes 0.00002.

Submissions (3):

Labcorp Genetics (formerly Invitae), Labcorp
Classification: Pathogenic. Last evaluated: 2025-07-29. Review status: criteria provided, single submitter. Criteria: Invitae Variant Classification Sherloc (09022015). Collection method: clinical testing. Allele origin: germline.
Comment: This sequence change creates a premature translational stop signal (p.Glu434Lysfs*2) in the CFI gene. It is expected to result in an absent or disrupted protein product. Loss-of-function variants in CFI are known to be pathogenic (PMID: 15917334, 16621965, 19065647, 20016463, 22710145). This variant is present in population databases (rs757053954, gnomAD 0.03%). This variant has not been reported in the literature in individuals affected with CFI-related conditions. ClinVar contains an entry for this variant (Variation ID: 1923366). For these reasons, this variant has been classified as Pathogenic.

Rady Children's Institute for Genomic Medicine, Rady Children's Hospital San Diego
Classification: Likely pathogenic for CFI-related disorders. Last evaluated: 2025-03-10. Review status: criteria provided, single submitter. Criteria: ACMG Guidelines, 2015. Collection method: clinical testing. Allele origin: germline. Affected: yes.
Comment: This frameshifting variant in exon 11 of 13 is predicted to result in loss of normal protein function through either protein truncation or nonsense-mediated mRNA decay. Loss-of-function variation in CFI is an established mechanism of disease (PMID: 15917334). This variant has not been previously reported or functionally characterized in the literature to our knowledge. The c.1300del (p.Glu434LysfsTer2) variant is present in the latest version of the gnomAD population database at an allele frequency of 0.001% (12/1614086) and thus is presumed to be rare. Based on the available evidence, c.1300del (p.Glu434LysfsTer2) is classified as Likely Pathogenic.

Fulgent Genetics
Classification: Likely pathogenic for Factor I deficiency; Atypical hemolytic-uremic syndrome with I factor anomaly; Age related macular degeneration 13. Last evaluated: 2024-04-06. Review status: criteria provided, single submitter. Criteria: ACMG Guidelines, 2015. Collection method: clinical testing. Allele origin: germline.

Literature cited by the submitters: PubMed 15917334 (cited by Labcorp Genetics (formerly Invitae), Labcorp and Rady Children's Institute for Genomic Medicine, Rady Children's Hospital San Diego); PubMed 16621965 (cited by Labcorp Genetics (formerly Invitae), Labcorp); PubMed 19065647 (cited by Labcorp Genetics (formerly Invitae), Labcorp); PubMed 20016463 (cited by Labcorp Genetics (formerly Invitae), Labcorp); PubMed 22710145 (cited by Labcorp Genetics (formerly Invitae), Labcorp).

NM_000204.5(CFI):c.1300del (p.Glu434fs)

Gene: CFI (complement factor I; minus strand). Cytogenetic location: 4q25.
Variant type: Deletion.
Coding change: c.1300del on transcript NM_000204.5 (MANE Select); coding-DNA position 1300, one base deleted (G; older notation c.1300delG).
Protein change: p.Glu434fs; shifts the reading frame from glutamic acid 434.
Molecular consequence: frameshift variant. On other transcripts: non-coding transcript variant (2).
Genome position (GRCh38, 1-based): chr4:109,746,351, C deleted on the plus strand (G on the coding strand, the reverse complement: CFI is on the minus strand). VCF-style (leftmost placement, unchanged base first): chr4-109746350-TC-T. GRCh37 (hg19) VCF-style: chr4-110667506-TC-T.
Other names: c.1300del (NM_000204.4); c.1324del, p.Glu442fs (NM_001318057.2, NM_001375278.1); c.1279del, p.Glu427fs (NM_001331035.2, NM_001375280.1, NM_001375282.1); c.1300del, p.Glu434fs (NM_001375279.1, NM_001375281.1); c.1243del, p.Glu415fs (NM_001375283.1); c.691del, p.Glu231fs (NM_001375284.1); short protein forms E427fs, E231fs, E442fs, E415fs, E434fs.
Identifiers: ClinVar variation 1923366 (VCV001923366.7), dbSNP rs757053954, ClinGen allele CA3041947.